The following is an entry in ClinVar:

ClinVar aggregate classification (germline): Pathogenic. Review status: criteria provided, single submitter (1 of 4 stars). 2 submissions from 2 submitters: Pathogenic (1). 1 of the submissions does not count toward it. Last evaluated 2025-11-18.

Conditions:
Pigmentary pallidal degeneration (NBIA1). Also called: PKAN NEUROAXONAL DYSTROPHY, JUVENILE-ONSET; Neuroaxonal dystrophy, late infantile; Hallervorden-Spatz disease; Neurodegeneration with brain iron accumulation 1; Pantothenate Kinase-Associated Neurodegeneration; HARP SYNDROME. Identifiers: Orphanet 157850, MedGen C0018523, MONDO:0009319, OMIM 234200.

gnomAD v4.1: 3 of 1,568,744 alleles (0.00019%); highest among the groups gnomAD compares: Non-Finnish European, 0.00026%; no homozygotes.

Submissions (2):

Labcorp Genetics (formerly Invitae), Labcorp
Classification: Pathogenic for Pigmentary pallidal degeneration. Last evaluated: 2025-11-18. Review status: criteria provided, single submitter. Criteria: Invitae Variant Classification Sherloc (09022015). Collection method: clinical testing. Allele origin: germline.
Comment: This sequence change creates a premature translational stop signal (p.Ser178*) in the PANK2 gene. It is expected to result in an absent or disrupted protein product. Loss-of-function variants in PANK2 are known to be pathogenic (PMID: 11479594, 12510040). This variant is not present in population databases (gnomAD no frequency). This premature translational stop signal has been observed in individual(s) with PANK2-related conditions (PMID: 16240131). This variant is also known as 233C>A (Ser68Stop). ClinVar contains an entry for this variant (Variation ID: 4561). For these reasons, this variant has been classified as Pathogenic.

OMIM
Classification: Pathogenic for NEURODEGENERATION WITH BRAIN IRON ACCUMULATION 1. Last evaluated: 2005-12-01. Review status: no assertion criteria provided. Collection method: literature only. Allele origin: germline. Not counted in ClinVar's aggregate classification.

Literature cited by the submitters: PubMed 11479594 (cited by Labcorp Genetics (formerly Invitae), Labcorp); PubMed 12510040 (cited by Labcorp Genetics (formerly Invitae), Labcorp); PubMed 16240131 (cited by Labcorp Genetics (formerly Invitae), Labcorp and OMIM).

NM_001386393.1(PANK2):c.203C>A (p.Ser68Ter)

Genes: PANK2 (pantothenate kinase 2; plus strand), LOC130065345 (ATAC-STARR-seq lymphoblastoid silent region 12635; plus strand). Cytogenetic location: 20p13.
Variant type: single nucleotide variant.
Coding change: c.203C>A on transcript NM_001386393.1 (MANE Select); coding-DNA position 203, C replaced by A.
Protein change: p.Ser68Ter; replaces serine 68 with a stop codon.
Molecular consequence: nonsense. On other transcripts: 5 prime UTR variant (1), non-coding transcript variant (1), intron variant (1).
Genome position (GRCh38, 1-based): chr20:3,889,633, C>A. VCF-style: chr20-3889633-C-A. GRCh37 (hg19) VCF-style: chr20-3870280-C-A.
Other names: S68*; c.-509C>A (NM_001324191.2); c.533C>A, p.Ser178Ter (NM_001324192.1, NM_153638.4); c.-246+729C>A (NM_024960.6); short protein forms S178*.
Identifiers: ClinVar variation 4561 (VCV000004561.3), dbSNP rs137852969, ClinGen allele CA253224.
Genomic context (GRCh38, chr20:3,889,633, plus strand): 5'-GGCGGCAGGAGCCACTGCGGCGCCGGGCGAGCAGCGCGTCGGTGCCCGCGGTCGGGGCCT[C>A]GGCTGAGGGCACGAGGCGGGATCGACTGGGCTCTTACAGCGGCCCCACCTCGGTCTCCCG-3'